The following is an entry in ClinVar:

ClinVar aggregate classification (germline): Uncertain significance (1 of 4 stars; one submission).

Conditions:
LONP1-related disorder. Also called: LONP1-related condition; LONP1-related disorders.

Submission:

Undiagnosed Diseases Network, NIH
Classification: Uncertain significance for LONP1-related condition. Last evaluated: 2019-02-07. Review status: criteria provided, single submitter. Criteria: ACMG Guidelines, 2015. Collection method: clinical testing. Allele origin: de novo. Inheritance: Autosomal dominant inheritance. Affected: yes. Observed: 1 variant allele, 1 heterozygote.
Comment: In the literature, this gene has only been associated with recessive conditions. We have identified other cases with similar presentations and dominant variants.

NM_004793.4(LONP1):c.1694A>G (p.Tyr565Cys)

Gene: LONP1 (lon peptidase 1, mitochondrial; minus strand). Cytogenetic location: 19p13.3.
Variant type: single nucleotide variant.
Coding change: c.1694A>G on transcript NM_004793.4 (MANE Select); coding-DNA position 1694, A replaced by G.
Protein change: p.Tyr565Cys; replaces tyrosine 565 with cysteine.
Molecular consequence: missense variant. On other transcripts: non-coding transcript variant (1).
Genome position (GRCh38, 1-based): chr19:5,696,749, T>C on the plus strand (A>G on the coding strand, the complement: LONP1 is on the minus strand). VCF-style: chr19-5696749-T-C. GRCh37 (hg19) VCF-style: chr19-5696760-T-C.
Other names: c.1502A>G, p.Tyr501Cys (NM_001276479.2); c.1106A>G, p.Tyr369Cys (NM_001276480.1); short protein forms Y565C, Y501C, Y369C.
Identifiers: ClinVar variation 636236 (VCV000636236.3), dbSNP rs1599450036, ClinGen allele CA403529869.